The following is an entry in ClinVar:

ClinVar aggregate classification (germline): Uncertain significance (1 of 4 stars; one submission).

Conditions:
INF2-related disorder. Also called: INF2-related condition.

Submission:

PreventionGenetics, part of Exact Sciences
Classification: Uncertain significance for INF2-related condition. Last evaluated: 2023-09-19. Review status: criteria provided, single submitter. Criteria: ACMG Guidelines, 2015. Collection method: clinical testing. Allele origin: germline.
Comment: The INF2 c.149A>C variant is predicted to result in the amino acid substitution p.Tyr50Ser. To our knowledge, this variant has not been reported in the literature or in a large population database, indicating this variant is rare. However, an alternative missense change at the same amino acid position (i.e. p.Tyr50Asp) segregated with disease in five affected family members with adult-onset nephrotic syndrome (Sen et al. 2017. PubMed ID: 28780565). At this time, the clinical significance of this variant is uncertain due to the absence of conclusive functional and genetic evidence.

NM_022489.4(INF2):c.149A>C (p.Tyr50Ser)

Gene: INF2 (inverted formin 2; plus strand). Cytogenetic location: 14q32.33.
Variant type: single nucleotide variant.
Coding change: c.149A>C on transcript NM_022489.4 (MANE Select); coding-DNA position 149, A replaced by C.
Protein change: p.Tyr50Ser; replaces tyrosine 50 with serine.
Molecular consequence: missense variant.
Genome position (GRCh38, 1-based): chr14:104,701,514, A>C. VCF-style: chr14-104701514-A-C. GRCh37 (hg19) VCF-style: chr14-105167851-A-C.
Other names: c.149A>C, p.Tyr50Ser (NM_001031714.4, NM_032714.3); short protein forms Y50S.
Identifiers: ClinVar variation 180374 (VCV000180374.2), dbSNP rs730880113, ClinGen allele CA346369.